The following is an entry in ClinVar:

ClinVar aggregate classification (germline): Uncertain significance (1 of 4 stars; one submission).

Conditions:
Brugada syndrome. Also called: Sudden unexplained nocturnal death syndrome; Sudden Unexplained Death Syndrome; Sudden Unexplained Nocturnal Death Syndrome (SUNDS); Sudden unexpected nocturnal death syndrome. Identifiers: Orphanet 130, MedGen C1142166, MONDO:0015263.

gnomAD v4.1: 1 of 1,570,694 alleles (0.000064%); no homozygotes.

Submission:

Labcorp Genetics (formerly Invitae), Labcorp
Classification: Uncertain significance for Brugada syndrome. Last evaluated: 2025-03-25. Review status: criteria provided, single submitter. Criteria: Invitae Variant Classification Sherloc (09022015). Collection method: clinical testing. Allele origin: germline.
Comment: This sequence change replaces asparagine, which is neutral and polar, with aspartic acid, which is acidic and polar, at codon 664 of the CACNA2D1 protein (p.Asn664Asp). The frequency data for this variant in the population databases is considered unreliable, as metrics indicate poor data quality at this position in the gnomAD database. This variant has not been reported in the literature in individuals affected with CACNA2D1-related conditions. An algorithm developed to predict the effect of missense changes on protein structure and function (PolyPhen-2) suggests that this variant is likely to be disruptive. In summary, the available evidence is currently insufficient to determine the role of this variant in disease. Therefore, it has been classified as a Variant of Uncertain Significance.

NM_000722.4(CACNA2D1):c.1990A>G (p.Asn664Asp)

Gene: CACNA2D1 (calcium voltage-gated channel auxiliary subunit alpha2delta 1; minus strand). Cytogenetic location: 7q21.11.
Variant type: single nucleotide variant.
Coding change: c.1990A>G on transcript NM_000722.4 (MANE Select); coding-DNA position 1990, A replaced by G.
Protein change: p.Asn664Asp; replaces asparagine 664 with aspartic acid.
Molecular consequence: missense variant.
Genome position (GRCh38, 1-based): chr7:81,974,518, T>C on the plus strand (A>G on the coding strand, the complement: CACNA2D1 is on the minus strand). VCF-style: chr7-81974518-T-C. GRCh37 (hg19) VCF-style: chr7-81603834-T-C.
Other names: c.2026A>G, p.Asn676Asp (NM_001366867.1); short protein forms N676D, N664D.
Identifiers: ClinVar variation 4754625 (VCV004754625.1).